The following is an entry in ClinVar:

NM_006231.4(POLE):c.4223A>G (p.Gln1408Arg)

Gene: POLE (DNA polymerase epsilon, catalytic subunit; minus strand). Cytogenetic location: 12q24.33.
Variant type: single nucleotide variant.
Coding change: c.4223A>G on transcript NM_006231.4 (MANE Select); coding-DNA position 4223, A replaced by G.
Protein change: p.Gln1408Arg; replaces glutamine 1408 with arginine.
Molecular consequence: missense variant.
Genome position (GRCh38, 1-based): chr12:132,643,904, T>C on the plus strand (A>G on the coding strand, the complement: POLE is on the minus strand). VCF-style: chr12-132643904-T-C. GRCh37 (hg19) VCF-style: chr12-133220490-T-C.
Other names: c.4223A>G (NM_006231.2); short protein forms Q1408R.
Identifiers: ClinVar variation 2043580 (VCV002043580.6), dbSNP rs769798010, ClinGen allele CA6892938.

ClinVar aggregate classification (germline): Uncertain significance. Review status: criteria provided, multiple submitters, no conflicts (2 of 4 stars). 3 submissions from 3 submitters: Uncertain significance (3). Last evaluated 2024-08-08.

Conditions:
Hereditary cancer-predisposing syndrome. Also called: Neoplastic Syndromes, Hereditary; Hereditary Cancer Syndrome; Hereditary neoplastic syndrome; Tumor predisposition. Identifiers: Orphanet 140162, MedGen C0027672, MeSH D009386, MONDO:0015356.

Allele frequency attached by ClinVar (database versions not stated): gnomAD exomes below 0.00001; ExAC 0.00001.
gnomAD v4.1: 2 of 1,614,168 alleles (0.00012%); highest among the groups gnomAD compares: South Asian, 0.0022%; no homozygotes.

Submissions (3):

GeneDx
Classification: Uncertain significance. Last evaluated: 2024-08-08. Review status: criteria provided, single submitter. Criteria: GeneDx Variant Classification Process June 2021. Collection method: clinical testing. Allele origin: germline. Affected: yes.
Comment: Not observed at significant frequency in large population cohorts (gnomAD); In silico analysis indicates that this missense variant does not alter protein structure/function; Has not been previously published as pathogenic or benign to our knowledge

Ambry Genetics
Classification: Uncertain significance for Hereditary cancer-predisposing syndrome. Last evaluated: 2024-07-15. Review status: criteria provided, single submitter. Criteria: Ambry Variant Classification Scheme 2023. Collection method: clinical testing. Allele origin: germline.
Comment: The p.Q1408R variant (also known as c.4223A>G), located in coding exon 33 of the POLE gene, results from an A to G substitution at nucleotide position 4223. The glutamine at codon 1408 is replaced by arginine, an amino acid with highly similar properties. This amino acid position is conserved. In addition, the in silico prediction for this alteration is inconclusive. Based on the available evidence, the clinical significance of this variant remains unclear.

Labcorp Genetics (formerly Invitae), Labcorp
Classification: Uncertain significance. Last evaluated: 2021-12-15. Review status: criteria provided, single submitter. Criteria: Invitae Variant Classification Sherloc (09022015). Collection method: clinical testing. Allele origin: germline.
Comment: In summary, the available evidence is currently insufficient to determine the role of this variant in disease. Therefore, it has been classified as a Variant of Uncertain Significance. Algorithms developed to predict the effect of missense changes on protein structure and function (SIFT, PolyPhen-2, Align-GVGD) all suggest that this variant is likely to be tolerated. This variant has not been reported in the literature in individuals affected with POLE-related conditions. This variant is present in population databases (rs769798010, gnomAD 0.003%). This sequence change replaces glutamine, which is neutral and polar, with arginine, which is basic and polar, at codon 1408 of the POLE protein (p.Gln1408Arg).